The following is an entry in ClinVar:

NM_001286577.2(C2CD3):c.6332C>G (p.Ser2111Cys)

Gene: C2CD3 (C2 domain containing 3 centriole elongation regulator; minus strand). Cytogenetic location: 11q13.4.
Variant type: single nucleotide variant.
Coding change: c.6332C>G on transcript NM_001286577.2 (MANE Select); coding-DNA position 6332, C replaced by G.
Protein change: p.Ser2111Cys; replaces serine 2111 with cysteine.
Molecular consequence: missense variant.
Genome position (GRCh38, 1-based): chr11:74,033,828, G>C on the plus strand (C>G on the coding strand, the complement: C2CD3 is on the minus strand). VCF-style: chr11-74033828-G-C. GRCh37 (hg19) VCF-style: chr11-73744873-G-C.
Other names: short protein forms S2111C.
Identifiers: ClinVar variation 1408756 (VCV001408756.3), dbSNP rs780147528, ClinGen allele CA224505673.
Genomic context (GRCh38, chr11:74,033,828, plus strand): 5'-GAGAGAAAGCTACTTTTGACCATAAGCTCCTCTCTGCAGAAAGGCCCTGGAGAAGGACAA[G>C]AGGGGCCTTCCCTCTGCACCTCGTCAGGCTGAGGGCTGATGACCTCACTTGTGTCTGATA-3'
Protein context (NP_001273506.1, residues 2101-2121): QPDEVQREGP[Ser2111Cys]CPSPGPFCRE

ClinVar aggregate classification (germline): Uncertain significance (1 of 4 stars; one submission).

Allele frequency attached by ClinVar (database versions not stated): gnomAD exomes 0.00004; gnomAD 0.00006; TOPMed 0.00008.
gnomAD v4.1: 227 of 1,536,116 alleles (0.015%); highest among the groups gnomAD compares: Non-Finnish European, 0.019%; no homozygotes.

Submission:

Labcorp Genetics (formerly Invitae), Labcorp
Classification: Uncertain significance. Last evaluated: 2021-06-14. Review status: criteria provided, single submitter. Criteria: Invitae Variant Classification Sherloc (09022015). Collection method: clinical testing. Allele origin: germline.
Comment: This sequence change replaces serine with cysteine at codon 2111 of the C2CD3 protein (p.Ser2111Cys). The C2CD3 gene has multiple clinically relevant transcripts. This variant occurs in alternate transcript NM_001286577.1, and corresponds to NM_015531.5:c.*770C>G in the primary transcript. The frequency data for this variant in the population databases is considered unreliable, as metrics indicate insufficient coverage at this position in the ExAC database. This variant has not been reported in the literature in individuals with C2CD3-related conditions. Experimental studies and prediction algorithms are not available or were not evaluated, and the functional significance of this variant is currently unknown. In summary, the available evidence is currently insufficient to determine the role of this variant in disease. Therefore, it has been classified as a Variant of Uncertain Significance.